The following is an entry in ClinVar:

ClinVar aggregate classification (germline): Pathogenic (1 of 4 stars; one submission).

Conditions:
Mucopolysaccharidosis, MPS-II (MPS2). Also called: Hunter Syndrome; IDURONATE 2-SULFATASE DEFICIENCY; Mucopolysaccharidosis Type II; Mucopolysaccharidosis type 2; Attenuated MPS (subtype; formerly known as mild MPS II); Severe MPS II. Identifiers: Orphanet 580, Orphanet 79388, MedGen C0026705, MONDO:0010674, OMIM 309900.

Submission:

Laboratory of Diagnosis and Therapy of Lysosomal Disorders, University of Padova
Classification: Pathogenic for Mucopolysaccharidosis, MPS-II. Last evaluated: 2024-06-07. Review status: criteria provided, single submitter. Criteria: ACMG Guidelines, 2015. Collection method: literature only. Allele origin: germline. Affected: yes. Observed: 1 variant allele.
Comment: Null variant (PVS1_VeryStrong), In vitro or in vivo functional studies supportive of a damaging effect (PS3_Moderate), Absent from controls (or at low frequency) in gnomAD database (PM2_Moderate), Patient’s phenotype or family history highly specific for the disease (PP4_Strong)

Classification method: ACMG Guidelines [PMID:25741868] with modifications

Literature cited by the submitters: PubMed 28543354.

NM_000202.8(IDS):c.544del (p.Leu182fs)

Genes: IDS (iduronate 2-sulfatase; minus strand), LOC106050102 (IDS recombination region; plus strand). Cytogenetic location: Xq28.
Variant type: Deletion.
Coding change: c.544del on transcript NM_000202.8 (MANE Select); coding-DNA position 544, one base deleted (C; older notation c.544delC).
Protein change: p.Leu182fs; shifts the reading frame from leucine 182.
Molecular consequence: frameshift variant. On other transcripts: non-coding transcript variant (1).
Genome position (GRCh38, 1-based): chrX:149,498,271, G deleted on the plus strand (C on the coding strand, the reverse complement: IDS is on the minus strand); the first of 2 consecutive G bases (chrX:149,498,271-149,498,272); deleting either gives the same sequence. VCF-style (leftmost placement, unchanged base first): chrX-149498270-AG-A. GRCh37 (hg19) VCF-style: chrX-148579801-AG-A.
Other names: c.274del, p.Leu92fs (NM_001166550.4); c.544del, p.Leu182fs (NM_006123.5); short protein forms L182fs, L92fs.
Identifiers: ClinVar variation 3255763 (VCV003255763.2).